The following is an entry in ClinVar:

NM_001386795.1(DTNA):c.17G>C (p.Gly6Ala)

Genes: DTNA (dystrobrevin alpha; plus strand), DTNA-AS1 (DTNA antisense RNA 1; minus strand). Cytogenetic location: 18q12.1.
Variant type: single nucleotide variant.
Coding change: c.17G>C on transcript NM_001386795.1 (MANE Select); coding-DNA position 17, G replaced by C.
Protein change: p.Gly6Ala; replaces glycine 6 with alanine.
Molecular consequence: missense variant.
Genome position (GRCh38, 1-based): chr18:34,755,993, G>C. VCF-style: chr18-34755993-G-C. GRCh37 (hg19) VCF-style: chr18-32335957-G-C.
Other names: c.17G>C, p.Gly6Ala (NM_001128175.2, NM_001198938.2, NM_001198939.2 and 35 more transcripts); short protein forms G6A.
Identifiers: ClinVar variation 46421 (VCV000046421.4), dbSNP rs397517446, ClinGen allele CA138311.
Genomic context (GRCh38, chr18:34,755,993, plus strand): 5'-ATAGCGTGAGGATAATACACATTGTAACTATTTTGTCTCATAGAATGATTGAAGATAGTG[G>C]GAAAAGAGGAAATACCATGGCAGAAAGAAGACAGCTGTTTGCAGAGATGAGTAAGTATGG-3'
Protein context (NP_001373724.1, residues 1-16): MIEDS[Gly6Ala]KRGNTMAERR

ClinVar aggregate classification (germline): Uncertain significance (1 of 4 stars; one submission).

Allele frequency attached by ClinVar (database versions not stated): gnomAD 0.00001; gnomAD exomes 0.00001; TOPMed below 0.00001.
gnomAD v4.1: 4 of 1,613,134 alleles (0.00025%); highest among the groups gnomAD compares: South Asian, 0.0011%; no homozygotes.

Submission:

Laboratory for Molecular Medicine, Mass General Brigham Personalized Medicine
Classification: Uncertain significance. Last evaluated: 2014-05-22. Review status: criteria provided, single submitter. Criteria: LMM Criteria. Collection method: clinical testing. Allele origin: germline. Observed: 2 variant alleles.
Comment: The Gly6Ala variant in DTNA has not been previously reported in any other famili es with cardiomyopathy or in large population studies. Computational prediction tools and conservation analysis do not provide strong support for or against an impact to the protein. Additional information is needed to fully assess the clin ical significance of the Gly6Ala variant.

Literature cited by the submitters: PubMed 24503780.